The following is an entry in ClinVar:

NM_001130438.3(SPTAN1):c.5502G>C (p.Lys1834Asn)

Gene: SPTAN1 (spectrin alpha, non-erythrocytic 1; plus strand). Cytogenetic location: 9q34.11.
Variant type: single nucleotide variant.
Coding change: c.5502G>C on transcript NM_001130438.3 (MANE Select); coding-DNA position 5502, G replaced by C.
Protein change: p.Lys1834Asn; replaces lysine 1834 with asparagine.
Molecular consequence: missense variant.
Genome position (GRCh38, 1-based): chr9:128,618,010, G>C. VCF-style: chr9-128618010-G-C. GRCh37 (hg19) VCF-style: chr9-131380289-G-C.
Other names: c.5427G>C, p.Lys1809Asn (NM_001195532.2, NM_001438441.1, NM_001438444.1); c.5502G>C, p.Lys1834Asn (NM_001363759.2, NM_001375310.1, NM_001375311.2 and 1 more transcripts); c.5442G>C, p.Lys1814Asn (NM_001363765.2, NM_001375314.2, NM_001438442.1); c.5538G>C, p.Lys1846Asn (NM_001375312.2, NM_001375318.1, NM_001438440.1); c.5487G>C, p.Lys1829Asn (NM_001438443.1, NM_001438445.1, NM_003127.4); short protein forms K1809N, K1814N, K1829N, K1834N, K1846N.
Identifiers: ClinVar variation 4801856 (VCV004801856.1).

ClinVar aggregate classification (germline): Uncertain significance (1 of 4 stars; one submission).

Conditions:
Early-infantile DEE. Also called: Early infantile epileptic encephalopathy; Early infantile epileptic encephalopathy with suppression bursts; Ohtahara syndrome. Identifiers: Orphanet 1934, MedGen C0393706, MONDO:0800491.

Submission:

Labcorp Genetics (formerly Invitae), Labcorp
Classification: Uncertain significance for Early-infantile DEE. Last evaluated: 2025-09-10. Review status: criteria provided, single submitter. Criteria: Invitae Variant Classification Sherloc (09022015). Collection method: clinical testing. Allele origin: germline.
Comment: This sequence change replaces lysine, which is basic and polar, with asparagine, which is neutral and polar, at codon 1834 of the SPTAN1 protein (p.Lys1834Asn). This variant is not present in population databases (gnomAD no frequency). This variant has not been reported in the literature in individuals affected with SPTAN1-related conditions. Invitae Evidence Modeling of protein sequence and biophysical properties (such as structural, functional, and spatial information, amino acid conservation, physicochemical variation, residue mobility, and thermodynamic stability) has been performed for this missense variant. However, the output from this modeling did not meet the statistical confidence thresholds required to predict the impact of this variant on SPTAN1 protein function. In summary, the available evidence is currently insufficient to determine the role of this variant in disease. Therefore, it has been classified as a Variant of Uncertain Significance.